The following is an entry in ClinVar:

ClinVar aggregate classification (germline): Likely pathogenic (1 of 4 stars; one submission).

Conditions:
Alport syndrome. Also called: Hemorrhagic familial nephritis; Hemorrhagic hereditary nephritis; Congenital hereditary hematuria. Identifiers: Orphanet 63, MedGen C1567741, MONDO:0018965.

Submission:

Natera, Inc.
Classification: Likely pathogenic for Alport syndrome. Last evaluated: 2026-01-21. Review status: criteria provided, single submitter. Criteria: Natera Variant Classification Schema (03/2026). Collection method: clinical testing. Allele origin: germline.
Comment: The c.962G>A variant in COL4A3 is a missense variant predicted to cause substitution of glycine to glutamic acid at amino acid 321. This variant is rare in the general population with a frequency below the threshold expected for the associated phenotype(s). This variant is located in a functionally critical region of the protein. Computational prediction algorithms indicate this variant is likely to affect gene or protein function. Given the available evidence, this variant is classified as Likely Pathogenic.

NM_000091.5(COL4A3):c.962G>A (p.Gly321Glu)

Genes: COL4A3 (collagen type IV alpha 3 chain; plus strand), MFF-DT (MFF divergent transcript; minus strand). Cytogenetic location: 2q36.3.
Variant type: single nucleotide variant.
Coding change: c.962G>A on transcript NM_000091.5 (MANE Select); coding-DNA position 962, G replaced by A.
Protein change: p.Gly321Glu; replaces glycine 321 with glutamic acid.
Molecular consequence: missense variant.
Genome position (GRCh38, 1-based): chr2:227,256,371, G>A. VCF-style: chr2-227256371-G-A. GRCh37 (hg19) VCF-style: chr2-228121087-G-A.
Other names: short protein forms G321E.
Identifiers: ClinVar variation 4817281 (VCV004817281.1).
Genomic context (GRCh38, chr2:227,256,371, plus strand): 5'-TCTGACCCATTTCTTTTTGTTCTTTTCTTTAGGGAGTCAAGGGCAACAGGGGTTTCCCTG[G>A]GTTAATGGGTGAAGATGGCATTAAGGTAATCCTCTCCCTAATAGCCTATTTTAATAGGTT-3'
Protein context (NP_000082.2, residues 311-331): EGVKGNRGFP[Gly321Glu]LMGEDGIKGQ